The following is an entry in ClinVar:

NM_000334.4(SCN4A):c.1791G>A (p.Met597Ile)

Gene: SCN4A (sodium voltage-gated channel alpha subunit 4; minus strand). Cytogenetic location: 17q23.3.
Variant type: single nucleotide variant.
Coding change: c.1791G>A on transcript NM_000334.4 (MANE Select); coding-DNA position 1791, G replaced by A.
Protein change: p.Met597Ile; replaces methionine 597 with isoleucine.
Molecular consequence: missense variant.
Genome position (GRCh38, 1-based): chr17:63,961,247, C>T on the plus strand (G>A on the coding strand, the complement: SCN4A is on the minus strand). VCF-style: chr17-63961247-C-T. GRCh37 (hg19) VCF-style: chr17-62038607-C-T.
Other names: short protein forms M597I.
Identifiers: ClinVar variation 1329682 (VCV001329682.7), dbSNP rs1909243373, ClinGen allele CA400632942.

ClinVar aggregate classification (germline): Uncertain significance. Review status: criteria provided, multiple submitters, no conflicts (2 of 4 stars). 2 submissions from 2 submitters: Uncertain significance (2). Last evaluated 2025-12-21.

Conditions:
Hyperkalemic periodic paralysis. Also called: Familial hyperkalemic periodic paralysis; Gamstorp disease. Identifiers: Orphanet 682, MedGen C0238357, MONDO:0008224, OMIM 170500, HP:0007215.

Allele frequency attached by ClinVar (database versions not stated): TOPMed below 0.00001; gnomAD exomes 0.00001.

Submissions (2):

Labcorp Genetics (formerly Invitae), Labcorp
Classification: Uncertain significance for Hyperkalemic periodic paralysis. Last evaluated: 2025-12-21. Review status: criteria provided, single submitter. Criteria: Invitae Variant Classification Sherloc (09022015). Collection method: clinical testing. Allele origin: germline.
Comment: This sequence change replaces methionine, which is neutral and non-polar, with isoleucine, which is neutral and non-polar, at codon 597 of the SCN4A protein (p.Met597Ile). This variant is not present in population databases (gnomAD no frequency). This variant has not been reported in the literature in individuals affected with SCN4A-related conditions. ClinVar contains an entry for this variant (Variation ID: 1329682). Invitae Evidence Modeling of protein sequence and biophysical properties (such as structural, functional, and spatial information, amino acid conservation, physicochemical variation, residue mobility, and thermodynamic stability) has been performed for this missense variant. However, the output from this modeling did not meet the statistical confidence thresholds required to predict the impact of this variant on SCN4A protein function. In summary, the available evidence is currently insufficient to determine the role of this variant in disease. Therefore, it has been classified as a Variant of Uncertain Significance.

GeneDx
Classification: Uncertain significance. Last evaluated: 2021-06-26. Review status: criteria provided, single submitter. Criteria: GeneDx Variant Classification Process June 2021. Collection method: clinical testing. Allele origin: germline. Affected: yes.
Comment: Not observed at significant frequency in large population cohorts (Lek et al., 2016); In silico analysis supports that this missense variant has a deleterious effect on protein structure/function; Has not been previously published as pathogenic or benign to our knowledge; This variant is associated with the following publications: (PMID: 27535533)